The following is an entry in ClinVar:

ClinVar aggregate classification (germline): Uncertain significance (1 of 4 stars; one submission).

Conditions:
Hereditary cancer-predisposing syndrome. Also called: Neoplastic Syndromes, Hereditary; Tumor predisposition; Hereditary Cancer Syndrome; Hereditary neoplastic syndrome. Identifiers: Orphanet 140162, MedGen C0027672, MeSH D009386, MONDO:0015356.

Submission:

Ambry Genetics
Classification: Uncertain significance for Hereditary cancer-predisposing syndrome. Last evaluated: 2025-10-25. Review status: criteria provided, single submitter. Criteria: Ambry Variant Classification Scheme 2023. Collection method: clinical testing. Allele origin: germline.
Comment: The p.Q394K variant (also known as c.1180C>A), located in coding exon 7 of the DICER1 gene, results from a C to A substitution at nucleotide position 1180. The glutamine at codon 394 is replaced by lysine, an amino acid with similar properties. This amino acid position is conserved. In addition, the in silico prediction for this alteration is inconclusive. Based on the available evidence, the clinical significance of this variant remains unclear.

NM_177438.3(DICER1):c.1180C>A (p.Gln394Lys)

Gene: DICER1 (dicer 1, ribonuclease III; minus strand). Cytogenetic location: 14q32.13.
Variant type: single nucleotide variant.
Coding change: c.1180C>A on transcript NM_177438.3 (MANE Select); coding-DNA position 1180, C replaced by A.
Protein change: p.Gln394Lys; replaces glutamine 394 with lysine.
Molecular consequence: missense variant. On other transcripts: 5 prime UTR variant (1), non-coding transcript variant (6).
Genome position (GRCh38, 1-based): chr14:95,124,392, G>T on the plus strand (C>A on the coding strand, the complement: DICER1 is on the minus strand). VCF-style: chr14-95124392-G-T. GRCh37 (hg19) VCF-style: chr14-95590729-G-T.
Other names: c.1180C>A, p.Gln394Lys (NM_001271282.3, NM_001195573.1, NM_001291628.2 and 14 more transcripts); c.898C>A, p.Gln300Lys (NM_001395686.1); c.775C>A, p.Gln259Lys (NM_001395687.1, NM_001395688.1, NM_001395689.1 and 3 more transcripts); c.613C>A, p.Gln205Lys (NM_001395691.1); c.-389C>A (NM_001395697.1); short protein forms Q259K, Q394K, Q205K, Q300K.
Identifiers: ClinVar variation 4637371 (VCV004637371.1).